The following is an entry in ClinVar:

ClinVar aggregate classification (germline): Pathogenic (1 of 4 stars; one submission).

Submission:

Labcorp Genetics (formerly Invitae), Labcorp
Classification: Pathogenic. Last evaluated: 2021-12-29. Review status: criteria provided, single submitter. Criteria: Invitae Variant Classification Sherloc (09022015). Collection method: clinical testing. Allele origin: germline.
Comment: For these reasons, this variant has been classified as Pathogenic. Information on the frequency of this variant in the gnomAD database is not available, as this variant may be reported differently in the database. This sequence change creates a premature translational stop signal (p.Met1419Thrfs*37) in the COL4A2 gene. It is expected to result in an absent or disrupted protein product. Loss-of-function variants in COL4A2 are known to be pathogenic (PMID: 22333902, 30315939). This variant has not been reported in the literature in individuals affected with COL4A2-related conditions.

Literature cited by the submitters: PubMed 22333902; PubMed 30315939.

NM_001846.4(COL4A2):c.4256delinsCG (p.Met1419fs)

Genes: COL4A2 (collagen type IV alpha 2 chain; plus strand), COL4A2-AS1 (COL4A2 antisense RNA 1; minus strand). Cytogenetic location: 13q34.
Variant type: Indel.
Coding change: c.4256delinsCG on transcript NM_001846.4 (MANE Select); coding-DNA position 4256, T replaced by CG.
Protein change: p.Met1419fs; shifts the reading frame from methionine 1419.
Molecular consequence: frameshift variant.
Genome position (GRCh38, 1-based): chr13:110,503,964, T replaced by CG. VCF-style: chr13-110503964-T-CG. GRCh37 (hg19) VCF-style: chr13-111156311-T-CG.
Other names: short protein forms M1419fs.
Identifiers: ClinVar variation 2052696 (VCV002052696.4), dbSNP rs1883750182, ClinGen allele CA2580087178.